The following is an entry in ClinVar:

NM_004991.4(MECOM):c.2110T>C (p.Ser704Pro)

Gene: MECOM (MDS1 and EVI1 complex locus; minus strand). Cytogenetic location: 3q26.2.
Variant type: single nucleotide variant.
Coding change: c.2110T>C on transcript NM_004991.4 (MANE Select); coding-DNA position 2110, T replaced by C.
Protein change: p.Ser704Pro; replaces serine 704 with proline.
Molecular consequence: missense variant.
Genome position (GRCh38, 1-based): chr3:169,115,762, A>G on the plus strand (T>C on the coding strand, the complement: MECOM is on the minus strand). VCF-style: chr3-169115762-A-G. GRCh37 (hg19) VCF-style: chr3-168833550-A-G.
Other names: c.1741T>C, p.Ser581Pro (NM_001105077.4); c.1546T>C, p.Ser516Pro (NM_001105078.4, NM_001164000.2, NM_001205194.2 and 4 more transcripts); c.1549T>C, p.Ser517Pro (NM_001163999.2, NM_001366467.2, NM_001366468.2 and 1 more transcripts); c.2110T>C, p.Ser704Pro (NM_001366466.2); c.1138T>C, p.Ser380Pro (NM_001366473.2); c.574T>C, p.Ser192Pro (NM_001366474.2); short protein forms S516P, S517P, S581P, S192P, S380P, S704P.
Identifiers: ClinVar variation 4053138 (VCV004053138.1).

ClinVar aggregate classification (germline): Uncertain significance (1 of 4 stars; one submission).

Conditions:
Inborn genetic diseases. Identifiers: MedGen C0950123, MeSH D030342.

gnomAD v4.1: 1 of 1,614,188 alleles (0.000062%); highest among the groups gnomAD compares: Non-Finnish European, 0.000085%; no homozygotes.

Submission:

Ambry Genetics
Classification: Uncertain significance for Inborn genetic diseases. Last evaluated: 2025-04-03. Review status: criteria provided, single submitter. Criteria: Ambry Variant Classification Scheme 2023. Collection method: clinical testing. Allele origin: germline.
Comment: The p.S704P variant (also known as c.2110T>C), located in coding exon 8 of the MECOM gene, results from a T to C substitution at nucleotide position 2110. The serine at codon 704 is replaced by proline, an amino acid with similar properties. This amino acid position is conserved. In addition, the in silico prediction for this alteration is inconclusive. Based on the available evidence, the clinical significance of this variant remains unclear.